The following is an entry in ClinVar:

NM_020971.3(SPTBN4):c.6017G>A (p.Arg2006Gln)

Gene: SPTBN4 (spectrin beta, non-erythrocytic 4; plus strand). Cytogenetic location: 19q13.2.
Variant type: single nucleotide variant.
Coding change: c.6017G>A on transcript NM_020971.3 (MANE Select); coding-DNA position 6017, G replaced by A.
Protein change: p.Arg2006Gln; replaces arginine 2006 with glutamine.
Molecular consequence: missense variant.
Genome position (GRCh38, 1-based): chr19:40,565,524, G>A. VCF-style: chr19-40565524-G-A. GRCh37 (hg19) VCF-style: chr19-41071430-G-A.
Other names: short protein forms R2006Q.
Identifiers: ClinVar variation 1723399 (VCV001723399.3), dbSNP rs139699793, ClinGen allele CA9446669.

ClinVar aggregate classification (germline): Conflicting classifications of pathogenicity. Review status: criteria provided, conflicting classifications (1 of 4 stars). 3 submissions from 3 submitters: Uncertain significance (2); Likely benign (1). Last evaluated 2025-09-07.

Conditions:
SPTBN4-related disorder. Also called: SPTBN4-related condition.
Inborn genetic diseases. Identifiers: MedGen C0950123, MeSH D030342.

Allele frequency attached by ClinVar (database versions not stated): ExAC 0.00017; gnomAD exomes 0.00018; gnomAD 0.00022; TOPMed 0.00023; ESP Exome Variant Server 0.00031.
gnomAD v4.1: 309 of 1,614,110 alleles (0.019%); highest among the groups gnomAD compares: Middle Eastern, 0.4%; 2 homozygotes.

Submissions (3):

PreventionGenetics, part of Exact Sciences
Classification: Likely benign for SPTBN4-related condition. Last evaluated: 2025-09-07. Review status: criteria provided, single submitter. Criteria: ACMG Guidelines, 2015. Collection method: clinical testing. Allele origin: germline.
Comment: This variant is classified as likely benign based on ACMG/AMP sequence variant interpretation guidelines (Richards et al. 2015 PMID: 25741868, with internal and published modifications).

Women's Health and Genetics/Laboratory Corporation of America, LabCorp
Classification: Uncertain significance. Last evaluated: 2022-10-03. Review status: criteria provided, single submitter. Criteria: LabCorp Variant Classification Summary - May 2015. Collection method: clinical testing. Allele origin: germline.
Comment: Variant summary: SPTBN4 c.6017G>A (p.Arg2006Gln) results in a conservative amino acid change in the encoded protein sequence. Five of five in-silico tools predict a benign effect of the variant on protein function. The variant allele was found at a frequency of 0.00022 in 250936 control chromosomes (gnomAD). To our knowledge, no occurrence of c.6017G>A in individuals affected with Neurodevelopmental Disorder With Hypotonia, Neuropathy, And Deafness and no experimental evidence demonstrating its impact on protein function have been reported. No clinical diagnostic laboratories have submitted clinical-significance assessments for this variant to ClinVar after 2014. Based on the evidence outlined above, the variant was classified as uncertain significance.

Ambry Genetics
Classification: Uncertain significance for Inborn genetic diseases. Last evaluated: 2021-01-29. Review status: criteria provided, single submitter. Criteria: Ambry Variant Classification Scheme 2023. Collection method: clinical testing. Allele origin: germline.
Comment: The c.6017G>A (p.R2006Q) alteration is located in exon 28 (coding exon 27) of the SPTBN4 gene. This alteration results from a G to A substitution at nucleotide position 6017, causing the arginine (R) at amino acid position 2006 to be replaced by a glutamine (Q). The p.R2006Q alteration is predicted to be tolerated by in silico analysis. Based on insufficient or conflicting evidence, the clinical significance of this alteration remains unclear.